The following is an entry in ClinVar:

NM_001330260.2(SCN8A):c.5795G>C (p.Arg1932Pro)

Gene: SCN8A (sodium voltage-gated channel alpha subunit 8; plus strand). Cytogenetic location: 12q13.13.
Variant type: single nucleotide variant.
Coding change: c.5795G>C on transcript NM_001330260.2 (MANE Select); coding-DNA position 5795, G replaced by C.
Protein change: p.Arg1932Pro; replaces arginine 1932 with proline.
Molecular consequence: missense variant.
Genome position (GRCh38, 1-based): chr12:51,807,281, G>C. VCF-style: chr12-51807281-G-C. GRCh37 (hg19) VCF-style: chr12-52201065-G-C.
Other names: p.R1932P:CGG>CCG; NM_001330260.2(SCN8A):c.5795G>C; p.Arg1932Pro; c.5672G>C, p.Arg1891Pro (NM_001177984.3, NM_001369788.1); c.5795G>C, p.Arg1932Pro (NM_014191.4); short protein forms R1932P, R1891P.
Identifiers: ClinVar variation 207134 (VCV000207134.58), dbSNP rs371766742, ClinGen allele CA318305.
Genomic context (GRCh38, chr12:51,807,281, plus strand): 5'-GGCGGGGCTTCATCTGCAAAAAGACAACTTCTAATAAGCTGGAGAATGGAGGCACACACC[G>C]GGAGAAAAAAGAGAGCACCCCATCTACAGCCTCCCTCCCGTCCTATGACAGTGTAACTAA-3'
Protein context (NP_001317189.1, residues 1922-1942): SNKLENGGTH[Arg1932Pro]EKKESTPSTA

ClinVar aggregate classification (germline): Likely benign. Review status: reviewed by expert panel (3 of 4 stars). 7 submissions from 7 submitters: Likely benign (1). 6 of the submissions do not count toward it. Last evaluated 2026-06-23.

Conditions:
Complex neurodevelopmental disorder. Identifiers: Orphanet 528084, MedGen C5568766, MONDO:0100038.
Inborn genetic diseases. Identifiers: MedGen C0950123, MeSH D030342.
Early-infantile DEE. Also called: Ohtahara syndrome; Early infantile epileptic encephalopathy; Early infantile epileptic encephalopathy with suppression bursts. Identifiers: Orphanet 1934, MedGen C0393706, MONDO:0800491.

Allele frequency attached by ClinVar (database versions not stated): TOPMed 0.00013; gnomAD 0.00016 and 0.00017.
gnomAD v4.1: 109 of 1,613,768 alleles (0.0068%); highest among the groups gnomAD compares: Admixed American, 0.035%; no homozygotes.

Submissions (7):

ClinGen Epilepsy Sodium Channel Variant Curation Expert Panel, Clingen
Classification: Likely benign for Complex neurodevelopmental disorder. Last evaluated: 2026-06-23. Review status: reviewed by expert panel. Criteria: ClinGen EpilepsySCN ACMG Specifications SCN8A V2.0.0. Collection method: curation. Allele origin: germline. Inheritance: Autosomal dominant inheritance.
Comment: The c.5795G>C variant in SCN8A is a missense variant predicted to cause substitution of Arginine by Proline at amino acid 1932 (p.Arg1932Pro). The total allele frequency in GnomAD 4.1.1 is 0.006754% (109/1613768 alleles), which is higher than the ClinGen Sodium Channel VCEP threshold (0.0002%) for BS1, and therefore meets this criterion (BS1). The computational predictor REVEL gives a score of 0.248, which suggests that the variant does not impact SCN8A function (BP4). In summary, this variant meets the criteria to be classified as likely benign for autosomal dominant complex neurodevelopmental disorder based on the ACMG/AMP criteria applied, as specified by the ClinGen Epilepsy Sodium Channel VCEP: BS1, BP4 (VCEP SCN8A specifications v2.0.0; June 23, 2026).

Labcorp Genetics (formerly Invitae), Labcorp
Classification: Uncertain significance for Early-infantile DEE. Last evaluated: 2025-12-08. Review status: criteria provided, single submitter. Criteria: Invitae Variant Classification Sherloc (09022015). Collection method: clinical testing. Allele origin: germline. Not counted in ClinVar's aggregate classification.
Comment: This sequence change replaces arginine, which is basic and polar, with proline, which is neutral and non-polar, at codon 1932 of the SCN8A protein (p.Arg1932Pro). This variant is present in population databases (rs371766742, gnomAD 0.01%). This variant has not been reported in the literature in individuals affected with SCN8A-related conditions. ClinVar contains an entry for this variant (Variation ID: 207134). Invitae Evidence Modeling of protein sequence and biophysical properties (such as structural, functional, and spatial information, amino acid conservation, physicochemical variation, residue mobility, and thermodynamic stability) indicates that this missense variant is not expected to disrupt SCN8A protein function with a negative predictive value of 95%. In summary, the available evidence is currently insufficient to determine the role of this variant in disease. Therefore, it has been classified as a Variant of Uncertain Significance.

Women's Health and Genetics/Laboratory Corporation of America, LabCorp
Classification: Uncertain significance. Last evaluated: 2025-03-18. Review status: criteria provided, single submitter. Criteria: LabCorp Variant Classification Summary - May 2015. Collection method: clinical testing. Allele origin: germline. Not counted in ClinVar's aggregate classification.
Comment: Variant summary: SCN8A c.5795G>C (p.Arg1932Pro) results in a non-conservative amino acid change in the encoded protein sequence. Three of five in-silico tools predict a damaging effect of the variant on protein function. The variant allele was found at a frequency of 5.2e-05 in 249066 control chromosomes. This frequency is not significantly higher than estimated for a pathogenic variant in SCN8A causing Early Infantile Epileptic Encephalopathy 13, allowing no conclusion about variant significance. To our knowledge, no occurrence of c.5795G>C in individuals affected with Early Infantile Epileptic Encephalopathy 13 and no experimental evidence demonstrating its impact on protein function have been reported. ClinVar contains an entry for this variant (Variation ID: 207134). Based on the evidence outlined above, the variant was classified as uncertain significance.

Blueprint Genetics
Classification: Likely benign. Last evaluated: 2022-12-21. Review status: criteria provided, single submitter. Criteria: ACMG Guidelines, 2015. Collection method: clinical testing. Allele origin: germline. Not counted in ClinVar's aggregate classification.

GeneDx
Classification: Likely benign. Last evaluated: 2021-01-04. Review status: criteria provided, single submitter. Criteria: GeneDx Variant Classification Process June 2021. Collection method: clinical testing. Allele origin: germline. Affected: yes. Not counted in ClinVar's aggregate classification.

CeGaT Center for Human Genetics Tuebingen
Classification: Uncertain significance. Last evaluated: 2019-07-01. Review status: criteria provided, single submitter. Criteria: CeGaT Center For Human Genetics Tuebingen Variant Classification Criteria Version 2. Collection method: clinical testing. Allele origin: germline. Affected: yes. Observed: 2 variant alleles. Not counted in ClinVar's aggregate classification.

Ambry Genetics
Classification: Likely benign for Inborn genetic diseases. Last evaluated: 2018-09-22. Review status: criteria provided, single submitter. Criteria: Ambry Variant Classification Scheme 2023. Collection method: clinical testing. Allele origin: germline. Not counted in ClinVar's aggregate classification.